The following is an entry in ClinVar:

ClinVar aggregate classification (germline): Uncertain significance (1 of 4 stars; one submission).

Submission:

GeneDx
Classification: Uncertain significance. Last evaluated: 2022-09-12. Review status: criteria provided, single submitter. Criteria: GeneDx Variant Classification Process June 2021. Collection method: clinical testing. Allele origin: germline. Affected: yes.
Comment: Not observed at significant frequency in large population cohorts (gnomAD); In silico analysis supports that this missense variant has a deleterious effect on protein structure/function; Has not been previously published as pathogenic or benign to our knowledge

NM_001481.3(DRC4):c.125T>C (p.Leu42Pro)

Gene: DRC4 (dynein regulatory complex subunit 4; plus strand). Cytogenetic location: 16q24.3.
Variant type: single nucleotide variant.
Coding change: c.125T>C on transcript NM_001481.3 (MANE Select); coding-DNA position 125, T replaced by C.
Protein change: p.Leu42Pro; replaces leucine 42 with proline.
Molecular consequence: missense variant. On other transcripts: 5 prime UTR variant (2).
Genome position (GRCh38, 1-based): chr16:90,031,333, T>C. VCF-style: chr16-90031333-T-C. GRCh37 (hg19) VCF-style: chr16-90097741-T-C.
Other names: c.-125T>C (NM_001286205.2); c.-397T>C (NM_001286208.2); c.50T>C, p.Leu17Pro (NM_001286209.2); short protein forms L17P, L42P.
Identifiers: ClinVar variation 2444630 (VCV002444630.1), dbSNP rs2543466092, ClinGen allele CA397460842.